The following is an entry in ClinVar:

NM_004977.3(KCNC3):c.617A>T (p.Asp206Val)

Gene: KCNC3 (potassium voltage-gated channel subfamily C member 3; minus strand). Cytogenetic location: 19q13.33.
Variant type: single nucleotide variant.
Coding change: c.617A>T on transcript NM_004977.3 (MANE Select); coding-DNA position 617, A replaced by T.
Protein change: p.Asp206Val; replaces aspartic acid 206 with valine.
Molecular consequence: missense variant.
Genome position (GRCh38, 1-based): chr19:50,328,466, T>A on the plus strand (A>T on the coding strand, the complement: KCNC3 is on the minus strand). VCF-style: chr19-50328466-T-A. GRCh37 (hg19) VCF-style: chr19-50831723-T-A.
Other names: c.389A>T, p.Asp130Val (NM_001372305.1); short protein forms D206V, D130V.
Identifiers: ClinVar variation 1950793 (VCV001950793.5), dbSNP rs2037135250, ClinGen allele CA406954724.

ClinVar aggregate classification (germline): Uncertain significance (1 of 4 stars; one submission).

Allele frequency attached by ClinVar (database versions not stated): gnomAD 0.00001.

Submission:

Labcorp Genetics (formerly Invitae), Labcorp
Classification: Uncertain significance. Last evaluated: 2022-09-16. Review status: criteria provided, single submitter. Criteria: Invitae Variant Classification Sherloc (09022015). Collection method: clinical testing. Allele origin: germline.
Comment: This variant has not been reported in the literature in individuals affected with KCNC3-related conditions. In summary, the available evidence is currently insufficient to determine the role of this variant in disease. Therefore, it has been classified as a Variant of Uncertain Significance. Advanced modeling of protein sequence and biophysical properties (such as structural, functional, and spatial information, amino acid conservation, physicochemical variation, residue mobility, and thermodynamic stability) performed at Invitae indicates that this missense variant is not expected to disrupt KCNC3 protein function. This variant is not present in population databases (gnomAD no frequency). This sequence change replaces aspartic acid, which is acidic and polar, with valine, which is neutral and non-polar, at codon 206 of the KCNC3 protein (p.Asp206Val).